The following is an entry in ClinVar:

ClinVar aggregate classification (germline): Likely benign. Review status: criteria provided, multiple submitters, no conflicts (2 of 4 stars). 2 submissions from 2 submitters: Likely benign (2). Last evaluated 2025-02-27.

Allele frequency attached by ClinVar (database versions not stated): gnomAD 0.00002 and 0.00003; gnomAD exomes 0.00002 and 0.00006; TOPMed 0.00004; ExAC 0.00006; 1000 Genomes Project 0.00020; 1000 Genomes Project 30x 0.00031.
gnomAD v4.1: 30 of 1,614,276 alleles (0.0019%); highest among the groups gnomAD compares: Admixed American, 0.035%; no homozygotes.

Submissions (2):

Labcorp Genetics (formerly Invitae), Labcorp
Classification: Likely benign. Last evaluated: 2025-02-27. Review status: criteria provided, single submitter. Criteria: Invitae Variant Classification Sherloc (09022015). Collection method: clinical testing. Allele origin: germline.

Laboratory for Molecular Medicine, Mass General Brigham Personalized Medicine
Classification: Likely benign. Last evaluated: 2016-06-09. Review status: criteria provided, single submitter. Criteria: LMM Criteria. Collection method: clinical testing. Allele origin: germline. Observed: 1 variant allele.
Comment: p.Glu178Glu in exon 4A of PAX3: This variant is not expected to have clinical si gnificance because it does not alter an amino acid residue and it is not located within the splice consensus sequence. It has been identified in 4/11578 Latino chromosomes by the Exome Aggregation Consortium (ExAC; dbSNP rs569880951).

NM_181458.4(PAX3):c.534G>A (p.Glu178=)

Gene: PAX3 (paired box 3; minus strand). Cytogenetic location: 2q36.1.
Variant type: single nucleotide variant.
Coding change: c.534G>A on transcript NM_181458.4 (MANE Select); coding-DNA position 534, G replaced by A.
Protein change: p.Glu178=; no amino-acid change (glutamic acid 178 retained).
Molecular consequence: synonymous variant.
Genome position (GRCh38, 1-based): chr2:222,294,219, C>T on the plus strand (G>A on the coding strand, the complement: PAX3 is on the minus strand). VCF-style: chr2-222294219-C-T. GRCh37 (hg19) VCF-style: chr2-223158938-C-T.
Other names: c.534G>A, p.Glu178= (NM_000438.6, NM_013942.5, NM_181457.4 and 3 more transcripts); c.531G>A, p.Glu177= (NM_001127366.3).
Identifiers: ClinVar variation 505081 (VCV000505081.11), dbSNP rs569880951, ClinGen allele CA2135704.